The following is an entry in ClinVar:

ClinVar aggregate classification (germline): Benign/Likely benign. Review status: criteria provided, multiple submitters, no conflicts (2 of 4 stars). 3 submissions from 3 submitters: Benign (1); Likely benign (2). Last evaluated 2024-12-16.

Conditions:
Hereditary cancer-predisposing syndrome. Also called: Neoplastic Syndromes, Hereditary; Tumor predisposition; Hereditary Cancer Syndrome; Hereditary neoplastic syndrome. Identifiers: Orphanet 140162, MedGen C0027672, MeSH D009386, MONDO:0015356.
Lynch syndrome 5 (LYNCH5). Also called: Colorectal cancer, hereditary nonpolyposis, type 5; Hereditary non-polyposis colorectal cancer, type 5. Identifiers: Orphanet 144, MedGen C1833477, MONDO:0013710, OMIM 614350. Disease mechanism: loss of function.

Submissions (3):

Myriad Genetics, Inc.
Classification: Benign for Lynch syndrome 5. Last evaluated: 2024-12-16. Review status: criteria provided, single submitter. Criteria: Myriad Autosomal Dominant, Autosomal Recessive and X-Linked Classification Criteria (2023). Collection method: clinical testing. Allele origin: unknown.
Comment: This variant is considered benign. This variant is a silent/synonymous amino acid change and it is not expected to impact splicing.

Color Diagnostics, LLC DBA Color Health
Classification: Likely benign for Hereditary cancer-predisposing syndrome. Last evaluated: 2020-06-08. Review status: criteria provided, single submitter. Criteria: ACMG Guidelines, 2015. Collection method: clinical testing. Allele origin: germline.

Ambry Genetics
Classification: Likely benign for Hereditary cancer-predisposing syndrome. Last evaluated: 2017-03-29. Review status: criteria provided, single submitter. Criteria: Ambry Variant Classification Scheme 2023. Collection method: clinical testing. Allele origin: germline.

NM_000179.3(MSH6):c.60C>G (p.Ala20=)

Gene: MSH6 (mutS homolog 6; plus strand). Cytogenetic location: 2p16.3.
Variant type: single nucleotide variant.
Coding change: c.60C>G on transcript NM_000179.3 (MANE Select); coding-DNA position 60, C replaced by G.
Protein change: p.Ala20=; no amino-acid change (alanine 20 retained).
Molecular consequence: synonymous variant. On other transcripts: 5 prime UTR variant (1).
Genome position (GRCh38, 1-based): chr2:47,783,293, C>G. VCF-style: chr2-47783293-C-G. GRCh37 (hg19) VCF-style: chr2-48010432-C-G.
Other names: c.60C>G, p.Ala20= (NM_001281492.2); c.-677C>G (NM_001281493.2).
Identifiers: ClinVar variation 483849 (VCV000483849.8), dbSNP rs878853749, ClinGen allele CA425987022.
Genomic context (GRCh38, chr2:47,783,293, plus strand): 5'-TATGTCGCGACAGAGCACCCTGTACAGCTTCTTCCCCAAGTCTCCGGCGCTGAGTGATGC[C>G]AACAAGGCCTCGGCCAGGGCCTCACGCGAAGGCGGCCGTGCCGCCGCTGCCCCCGGGGCC-3'
Protein context (NP_000170.1, residues 10-30): FFPKSPALSD[Ala20=]NKASARASRE